The following is an entry in ClinVar:

ClinVar aggregate classification (germline): Likely benign (1 of 4 stars; one submission).

Conditions:
MYO9A-related disorder. Also called: MYO9A-related condition.

gnomAD v4.1: 110 of 1,591,446 alleles (0.0069%); highest among the groups gnomAD compares: Non-Finnish European, 0.0089%; no homozygotes.

Submission:

PreventionGenetics, part of Exact Sciences
Classification: Likely benign for MYO9A-related condition. Last evaluated: 2025-02-09. Review status: criteria provided, single submitter. Criteria: ACMG Guidelines, 2015. Collection method: clinical testing. Allele origin: germline.
Comment: This variant is classified as likely benign based on ACMG/AMP sequence variant interpretation guidelines (Richards et al. 2015 PMID: 25741868, with internal and published modifications).

NM_006901.4(MYO9A):c.2523-10A>C

Gene: MYO9A (myosin IXA; minus strand). Cytogenetic location: 15q23.
Variant type: single nucleotide variant.
Coding change: c.2523-10A>C on transcript NM_006901.4 (MANE Select); 10 bases into the intron before coding-DNA position 2523, A replaced by C.
Molecular consequence: intron variant.
Genome position (GRCh38, 1-based): chr15:71,933,719, T>G on the plus strand (A>C on the coding strand, the complement: MYO9A is on the minus strand). VCF-style: chr15-71933719-T-G. GRCh37 (hg19) VCF-style: chr15-72226060-T-G.
Identifiers: ClinVar variation 4980180 (VCV004980180.1).